The following is an entry in ClinVar:

NM_015910.7(WDPCP):c.680_682del (p.Arg227del)

Gene: WDPCP (WD repeat containing planar cell polarity effector; minus strand). Cytogenetic location: 2p15.
Variant type: Deletion.
Coding change: c.680_682del on transcript NM_015910.7 (MANE Select); coding-DNA positions 680 to 682, 3 bases deleted (GAC; older notation c.680_682delGAC).
Protein change: p.Arg227del; deletes arginine 227.
Molecular consequence: inframe deletion. On other transcripts: non-coding transcript variant (3).
Genome position (GRCh38, 1-based): chr2:63,433,888-63,433,890, GTC deleted on the plus strand (GAC on the coding strand, the reverse complement: WDPCP is on the minus strand); deleting any 3 consecutive bases within chr2:63,433,888-63,433,891 gives the same sequence; the c. name uses the placement nearest the transcript's 3' end. VCF-style (leftmost placement, unchanged base first): chr2-63433887-TGTC-T. GRCh37 (hg19) VCF-style: chr2-63661021-TGTC-T.
Other names: c.203_205del, p.Arg68del (NM_001042692.3); c.608_610del, p.Arg203del (NM_001354044.2); c.680_682del, p.Arg227del (NM_001354045.2); short protein forms R227del, R68del, R203del.
Identifiers: ClinVar variation 1932507 (VCV001932507.8), dbSNP rs1477567359, ClinGen allele CA533658276.
Genomic context (GRCh38, chr2:63,433,887, plus strand): 5'-TCATCGTTGACCAGTGGCCACCAGCAAACAACTCTATCATGAACACAGTTGATAGCTAGA[TGTC>T]GCTCTGTTGTCTTGTTTATTGGGCCGGGTATTTCATAATAGAAAATCTAACAATTTTAAA-3'

ClinVar aggregate classification (germline): Uncertain significance. Review status: criteria provided, multiple submitters, no conflicts (2 of 4 stars). 2 submissions from 2 submitters: Uncertain significance (2). Last evaluated 2024-01-22.

Conditions:
Bardet-Biedl syndrome (BBS). Identifiers: Orphanet 110, MedGen C0752166, MONDO:0015229.

Submissions (2):

Labcorp Genetics (formerly Invitae), Labcorp
Classification: Uncertain significance for Bardet-Biedl syndrome. Last evaluated: 2024-01-22. Review status: criteria provided, single submitter. Criteria: Invitae Variant Classification Sherloc (09022015). Collection method: clinical testing. Allele origin: germline.
Comment: This variant, c.680_682del, results in the deletion of 1 amino acid(s) of the WDPCP protein (p.Arg227del), but otherwise preserves the integrity of the reading frame. This variant is present in population databases (no rsID available, gnomAD 0.006%). This variant has not been reported in the literature in individuals affected with WDPCP-related conditions. ClinVar contains an entry for this variant (Variation ID: 1932507). Experimental studies and prediction algorithms are not available or were not evaluated, and the functional significance of this variant is currently unknown. In summary, the available evidence is currently insufficient to determine the role of this variant in disease. Therefore, it has been classified as a Variant of Uncertain Significance.

Revvity Omics, Revvity
Classification: Uncertain significance. Last evaluated: 2021-11-29. Review status: criteria provided, single submitter. Criteria: ACMG Guidelines, 2015. Collection method: clinical testing. Allele origin: germline.